The following is an entry in ClinVar:

NM_014727.3(KMT2B):c.7658+4T>C

Gene: KMT2B (lysine methyltransferase 2B; plus strand). Cytogenetic location: 19q13.12.
Variant type: single nucleotide variant.
Coding change: c.7658+4T>C on transcript NM_014727.3 (MANE Select); 4 bases into the intron after coding-DNA position 7658, T replaced by C.
Molecular consequence: intron variant.
Genome position (GRCh38, 1-based): chr19:35,737,747, T>C. VCF-style: chr19-35737747-T-C. GRCh37 (hg19) VCF-style: chr19-36228648-T-C.
Identifiers: ClinVar variation 1711482 (VCV001711482.34), dbSNP rs772899301, ClinGen allele CA9385988.

ClinVar aggregate classification (germline): Uncertain significance. Review status: criteria provided, multiple submitters, no conflicts (2 of 4 stars). 2 submissions from 2 submitters: Uncertain significance (2). Last evaluated 2023-05-21.

Allele frequency attached by ClinVar (database versions not stated): gnomAD 0.00001; ExAC 0.00003; TOPMed 0.00003; gnomAD exomes 0.00004.
gnomAD v4.1: 64 of 1,571,032 alleles (0.0041%); highest among the groups gnomAD compares: Non-Finnish European, 0.0053%; no homozygotes.

Submissions (2):

Labcorp Genetics (formerly Invitae), Labcorp
Classification: Uncertain significance. Last evaluated: 2023-05-21. Review status: criteria provided, single submitter. Criteria: Invitae Variant Classification Sherloc (09022015). Collection method: clinical testing. Allele origin: germline.
Comment: This sequence change falls in intron 34 of the KMT2B gene. It does not directly change the encoded amino acid sequence of the KMT2B protein. It affects a nucleotide within the consensus splice site. This variant has not been reported in the literature in individuals affected with KMT2B-related conditions. This variant is present in population databases (rs772899301, gnomAD 0.007%). In summary, the available evidence is currently insufficient to determine the role of this variant in disease. Therefore, it has been classified as a Variant of Uncertain Significance. Variants that disrupt the consensus splice site are a relatively common cause of aberrant splicing (PMID: 17576681, 9536098). Algorithms developed to predict the effect of sequence changes on RNA splicing suggest that this variant is not likely to affect RNA splicing. ClinVar contains an entry for this variant (Variation ID: 1711482).

CeGaT Center for Human Genetics Tuebingen
Classification: Uncertain significance. Last evaluated: 2022-09-01. Review status: criteria provided, single submitter. Criteria: CeGaT Center For Human Genetics Tuebingen Variant Classification Criteria Version 2. Collection method: clinical testing. Allele origin: germline. Affected: yes. Observed: 1 variant allele.
Comment: KMT2B: PM2, BP4

Literature cited by the submitters: PubMed 17576681 (cited by Labcorp Genetics (formerly Invitae), Labcorp); PubMed 9536098 (cited by Labcorp Genetics (formerly Invitae), Labcorp).